The following is an entry in ClinVar:

NM_001283009.2(RTEL1):c.1763T>C (p.Leu588Pro)

Genes: RTEL1 (regulator of telomere elongation helicase 1; plus strand), RTEL1-TNFRSF6B (RTEL1-TNFRSF6B readthrough (NMD candidate); plus strand). Cytogenetic location: 20q13.33.
Variant type: single nucleotide variant.
Coding change: c.1763T>C on transcript NM_001283009.2 (MANE Select); coding-DNA position 1763, T replaced by C.
Protein change: p.Leu588Pro; replaces leucine 588 with proline.
Molecular consequence: missense variant. On other transcripts: non-coding transcript variant (1).
Genome position (GRCh38, 1-based): chr20:63,688,568, T>C. VCF-style: chr20-63688568-T-C. GRCh37 (hg19) VCF-style: chr20-62319921-T-C.
Other names: c.1094T>C, p.Leu365Pro (NM_001283010.1); c.1763T>C, p.Leu588Pro (NM_016434.4); c.1835T>C, p.Leu612Pro (NM_032957.5); short protein forms L365P, L588P, L612P.
Identifiers: ClinVar variation 3757856 (VCV003757856.2).

ClinVar aggregate classification (germline): Uncertain significance (1 of 4 stars; one submission).

Conditions:
Dyskeratosis congenita, autosomal recessive 5 (DKCB5). Identifiers: MedGen C3554656, MONDO:0014076, OMIM 615190.
Pulmonary fibrosis and/or bone marrow failure, Telomere-related, 3. Also called: PULMONARY FIBROSIS AND/OR BONE MARROW FAILURE SYNDROME, TELOMERE-RELATED, 3. Identifiers: Orphanet 2032, MedGen C4225346, MONDO:0014613, OMIM 616373.

Submission:

Labcorp Genetics (formerly Invitae), Labcorp
Classification: Uncertain significance for Dyskeratosis congenita, autosomal recessive 5; Pulmonary fibrosis and/or bone marrow failure, Telomere-related, 3. Last evaluated: 2024-08-28. Review status: criteria provided, single submitter. Criteria: Invitae Variant Classification Sherloc (09022015). Collection method: clinical testing. Allele origin: germline.
Comment: This sequence change replaces leucine, which is neutral and non-polar, with proline, which is neutral and non-polar, at codon 588 of the RTEL1 protein (p.Leu588Pro). This variant is not present in population databases (gnomAD no frequency). This variant has not been reported in the literature in individuals affected with RTEL1-related conditions. An algorithm developed to predict the effect of missense changes on protein structure and function (PolyPhen-2) suggests that this variant is likely to be tolerated. In summary, the available evidence is currently insufficient to determine the role of this variant in disease. Therefore, it has been classified as a Variant of Uncertain Significance.